The following is an entry in ClinVar:

NC_000011.9:g.(?_108206566)_(108236241_?)dup

Genes: ATM (ATM serine/threonine kinase; plus strand), C11orf65 (chromosome 11 open reading frame 65; minus strand), LOC129390354 (MPRA-validated peak1451 silencer; plus strand). Cytogenetic location: 11q22.3.
Variant type: Duplication.
Identifiers: ClinVar variation 524491 (VCV000524491.1).

ClinVar aggregate classification (germline): Uncertain significance (1 of 4 stars; one submission).

Conditions:
Ataxia-telangiectasia syndrome (AT). Also called: ATAXIA-TELANGIECTASIA, COMPLEMENTATION GROUP A; ATAXIA-TELANGIECTASIA, FRESNO VARIANT; Ataxia-telangiectasia; Ataxia-telangiectasia, complementation group D; AT, COMPLEMENTATION GROUP C; Ataxia-telangiectasia, complementation group E. Identifiers: Orphanet 100, MedGen C0004135, MONDO:0008840, OMIM 208900.

Submission:

Labcorp Genetics (formerly Invitae), Labcorp
Classification: Uncertain significance for Ataxia-telangiectasia syndrome. Last evaluated: 2017-12-07. Review status: criteria provided, single submitter. Criteria: Invitae Variant Classification Sherloc (09022015). Collection method: clinical testing. Allele origin: germline.
Comment: This variant is a gross duplication of the genomic region encompassing exons 56-63 of the ATM gene. The 5' boundary is likely confined to intron 55. The 3' end of this event is unknown as it extends beyond the assayed region for this gene and therefore may encompass additional genes. The exact location of this variant in the genome is unknown. This variant has not been reported in the literature in individuals with ATM-related disease. Experimental studies and prediction algorithms are not available for this variant, and the functional significance of the duplicated exons is currently unknown. In summary, the available evidence is currently insufficient to determine the role of this variant in disease. Therefore, it has been classified as a Variant of Uncertain Significance.